The following is an entry in ClinVar:

ClinVar aggregate classification (germline): Uncertain significance (1 of 4 stars; one submission).

Conditions:
DLGAP2-related disorder. Also called: DLGAP2-related condition.

Allele frequency attached by ClinVar (database versions not stated): gnomAD 0.00005; TOPMed 0.00005.
gnomAD v4.1: 12 of 1,596,506 alleles (0.00075%); highest among the groups gnomAD compares: African/African-American, 0.015%; no homozygotes.

Submission:

PreventionGenetics, part of Exact Sciences
Classification: Uncertain significance for DLGAP2-related condition. Last evaluated: 2025-10-17. Review status: criteria provided, single submitter. Criteria: ACMG Guidelines, 2015. Collection method: clinical testing. Allele origin: germline.
Comment: The DLGAP2 c.574C>G variant is predicted to result in the amino acid substitution p.Leu192Val. To our knowledge, this variant has not been reported in the literature or in a large population database (gnomAD), indicating this variant is rare. At this time, the clinical significance of this variant is uncertain due to the absence of conclusive functional and genetic evidence.

NM_001346810.2(DLGAP2):c.574C>G (p.Leu192Val)

Gene: DLGAP2 (DLG associated protein 2; plus strand). Cytogenetic location: 8p23.3.
Variant type: single nucleotide variant.
Coding change: c.574C>G on transcript NM_001346810.2 (MANE Select); coding-DNA position 574, C replaced by G.
Protein change: p.Leu192Val; replaces leucine 192 with valine.
Molecular consequence: missense variant.
Genome position (GRCh38, 1-based): chr8:1,549,027, C>G. VCF-style: chr8-1549027-C-G. GRCh37 (hg19) VCF-style: chr8-1497193-C-G.
Other names: short protein forms L192V.
Identifiers: ClinVar variation 3046504 (VCV003046504.3), dbSNP rs751956855, ClinGen allele CA4598146.
Genomic context (GRCh38, chr8:1,549,027, plus strand): 5'-ACGCGCGACGACTGCGCTGTGGCCCACGCGGGCGCCAAGATCAACCGCATCCCGGCCAAC[C>G]TGCTGGACCAGTTCGAGAAGCAGCTGCCGCTGCACCGGGACGGCTTCCACACGCTGCAGT-3'
Protein context (NP_001333739.1, residues 182-202): GAKINRIPAN[Leu192Val]LDQFEKQLPL